The following is an entry in ClinVar:

ClinVar aggregate classification (germline): Likely pathogenic (1 of 4 stars; one submission).

Conditions:
Intellectual developmental disorder, autosomal dominant 22. Also called: Intellectual disability, autosomal dominant 22. Identifiers: MedGen CN029689, MONDO:0012869, OMIM 612337.

Submission:

New York Genome Center
Classification: Likely pathogenic for Intellectual developmental disorder, autosomal dominant 22. Last evaluated: 2022-12-21. Review status: criteria provided, single submitter. Criteria: NYGC Assertion Criteria 2020. Collection method: clinical testing. Allele origin: de novo. Affected: yes. Observed: 1 variant allele, 1 heterozygote.
Comment: The de novo heterozygous c.1345T>C p.(Cys449Arg) variant in the ZBTB18 gene has not previously been reported in the literature or public variant repositories (ClinVar and LOVD), and is absent from population databases (gnomAD v2.1.1 and v3.1.2, TOPMed Freeze 8), suggesting it is not a common benign variant in the populations represented in those databases. The c.1345T>C variant in ZBTB18 is located in exon 2 of this 2-exon gene and is predicted to replace an evolutionarily conserved cysteine amino acid with arginine at position 449 in the Zinc finger C2H2-type 3 domain of the encoded protein. In silico predictions are in favor of damaging effect for p.(Cys449Arg) [(CADD v1.6 = 29.8, REVEL = 0.954)]; however, there are no functional studies to support or refute these predictions. Variants nearby p.(Cys449Arg) residue within the C2H2 zinc finger domains have been reported in the literature [PMID: 28283832; 29573576] and ClinVar [ClinVar ID: 666591; 1032618…] in individuals with neurodevelopmental disorders. Based on available evidence, this de novo c.1345T>C p.(Cys449Arg) variant identified in ZBTB18 is classified as Likely Pathogenic.

NM_205768.3(ZBTB18):c.1345T>C (p.Cys449Arg)

Gene: ZBTB18 (zinc finger and BTB domain containing 18; plus strand). Cytogenetic location: 1q44.
Variant type: single nucleotide variant.
Coding change: c.1345T>C on transcript NM_205768.3 (MANE Select); coding-DNA position 1345, T replaced by C.
Protein change: p.Cys449Arg; replaces cysteine 449 with arginine.
Molecular consequence: missense variant. On other transcripts: 3 prime UTR variant (1).
Genome position (GRCh38, 1-based): chr1:244,055,119, T>C. VCF-style: chr1-244055119-T-C. GRCh37 (hg19) VCF-style: chr1-244218421-T-C.
Other names: c.1318T>C, p.Cys440Arg (NM_001278196.2, NM_006352.5); c.*522T>C (NM_001421566.1); short protein forms C440R, C449R.
Identifiers: ClinVar variation 4888408 (VCV004888408.1).